The following is an entry in ClinVar:

NC_000017.11:g.(?_58703186)_(58734222_?)del

Gene: RAD51C (RAD51 paralog C; plus strand). Cytogenetic location: 17q22.
Variant type: Deletion.
Identifiers: ClinVar variation 831411 (VCV000831411.1).

ClinVar aggregate classification (germline): Pathogenic (1 of 4 stars; one submission).

Conditions:
Fanconi anemia complementation group O. Also called: RAD51C-Related Fanconi Anemia. Identifiers: Orphanet 84, MedGen C3150653, MONDO:0013248, OMIM 613390.

Submission:

Labcorp Genetics (formerly Invitae), Labcorp
Classification: Pathogenic for Fanconi anemia, complementation group O. Last evaluated: 2020-01-07. Review status: criteria provided, single submitter. Criteria: Invitae Variant Classification Sherloc (09022015). Collection method: clinical testing. Allele origin: germline.
Comment: This variant is a gross deletion of the genomic region encompassing exons 4-9 of the RAD51C gene. The 5' boundary is likely confined to intron 3. The 3' end of this event is unknown as it extends through the termination codon beyond the assayed region for this gene and may encompass additional genes. While this deletion is not anticipated to result in nonsense mediated decay, it is expected to create a truncated RAD51C protein. Deletion of exons 4-9 has been reported in the literature in individuals undergoing multigene testing for hereditary breast and ovarian cancer (PMID: 26270727). This deletion is expected to delete a large portion of the C-terminal region of the RAD51C protein, which is required for complex formation and proper nuclear localization of the RAD51C protein (PMID: 14704354, 12966089). Different gross deletions (exons 5-9 and 6-9) that lie downstream of this deletion have been determined to be pathogenic (PMID: 24359560, Invitae). This suggests that deletion of this region of the RAD51C protein is causative of disease. For these reasons, this variant has been classified as Pathogenic.

Literature cited by the submitters: PubMed 12966089; PubMed 26270727; PubMed 14704354; PubMed 24359560.